The following is an entry in ClinVar:

NM_000179.3(MSH6):c.851del (p.Asp284fs)

Gene: MSH6 (mutS homolog 6; plus strand). Cytogenetic location: 2p16.3.
Variant type: Deletion.
Coding change: c.851del on transcript NM_000179.3 (MANE Select); coding-DNA position 851, one base deleted (A; older notation c.851delA).
Protein change: p.Asp284fs; shifts the reading frame from aspartic acid 284.
Molecular consequence: frameshift variant. On other transcripts: 5 prime UTR variant (2).
Genome position (GRCh38, 1-based): chr2:47,798,834, A deleted. VCF-style (leftmost placement, unchanged base first): chr2-47798833-GA-G. GRCh37 (hg19) VCF-style: chr2-48025972-GA-G.
Other names: c.461del, p.Asp154fs (NM_001281492.2); c.-56del (NM_001281493.2, NM_001281494.2); short protein forms D284fs, D154fs.
Identifiers: ClinVar variation 1363594 (VCV001363594.6), dbSNP rs2104301665, ClinGen allele CA2573134906.
Genomic context (GRCh38, chr2:47,798,833, plus strand): 5'-GAATTTAAGCCAGACACTAAGGAGGAAGGAAGCAGTGATGAAATAAGCAGTGGAGTGGGG[GA>G]TAGTGAGAGTGAAGGCCTGAACAGCCCTGTCAAAGTTGCTCGAAAGCGGAAGAGAATGGT-3'

ClinVar aggregate classification (germline): Pathogenic (1 of 4 stars; one submission).

Conditions:
Hereditary nonpolyposis colorectal neoplasms. Identifiers: MedGen C0009405, MeSH D003123.

Submission:

Labcorp Genetics (formerly Invitae), Labcorp
Classification: Pathogenic for Hereditary nonpolyposis colorectal neoplasms. Last evaluated: 2021-06-09. Review status: criteria provided, single submitter. Criteria: Invitae Variant Classification Sherloc (09022015). Collection method: clinical testing. Allele origin: germline.
Comment: This sequence change creates a premature translational stop signal (p.Asp284Valfs*7) in the MSH6 gene. It is expected to result in an absent or disrupted protein product. Loss-of-function variants in MSH6 are known to be pathogenic (PMID: 18269114, 24362816). This variant is not present in population databases (ExAC no frequency). This variant has not been reported in the literature in individuals with MSH6-related conditions. For these reasons, this variant has been classified as Pathogenic.

Literature cited by the submitters: PubMed 18269114; PubMed 24362816.